The following is an entry in ClinVar:

ClinVar aggregate classification (germline): Uncertain significance (1 of 4 stars; one submission).

gnomAD v4.1: 2 of 1,612,580 alleles (0.00012%); highest among the groups gnomAD compares: Non-Finnish European, 0.00017%; no homozygotes.

Submission:

GeneDx
Classification: Uncertain significance. Last evaluated: 2025-02-27. Review status: criteria provided, single submitter. Criteria: GeneDx Variant Classification Process June 2021. Collection method: clinical testing. Allele origin: germline. Affected: yes.
Comment: Not observed at significant frequency in large population cohorts (gnomAD); In silico analysis indicates that this missense variant does not alter protein structure/function; Has not been previously published as pathogenic or benign to our knowledge

NM_001386298.1(CIC):c.2908C>A (p.Pro970Thr)

Gene: CIC (capicua transcriptional repressor; plus strand). Cytogenetic location: 19q13.2.
Variant type: single nucleotide variant.
Coding change: c.2908C>A on transcript NM_001386298.1 (MANE Select); coding-DNA position 2908, C replaced by A.
Protein change: p.Pro970Thr; replaces proline 970 with threonine.
Molecular consequence: missense variant.
Genome position (GRCh38, 1-based): chr19:42,286,884, C>A. VCF-style: chr19-42286884-C-A. GRCh37 (hg19) VCF-style: chr19-42791036-C-A.
Other names: c.2908C>A, p.Pro970Thr (NM_001439183.1, NM_001439184.1, NM_001439185.1 and 6 more transcripts); c.181C>A, p.Pro61Thr (NM_001439189.1, NM_001439190.1, NM_001379484.1 and 3 more transcripts); short protein forms P61T, P970T.
Identifiers: ClinVar variation 4082750 (VCV004082750.1).